The following is an entry in ClinVar:

NM_014467.3(SRPX2):c.305C>T (p.Ser102Leu)

Gene: SRPX2 (sushi repeat containing protein X-linked 2; plus strand). Cytogenetic location: Xq22.1.
Variant type: single nucleotide variant.
Coding change: c.305C>T on transcript NM_014467.3 (MANE Select); coding-DNA position 305, C replaced by T.
Protein change: p.Ser102Leu; replaces serine 102 with leucine.
Molecular consequence: missense variant.
Genome position (GRCh38, 1-based): chrX:100,662,317, C>T. VCF-style: chrX-100662317-C-T. GRCh37 (hg19) VCF-style: chrX-99917314-C-T.
Other names: short protein forms S102L.
Identifiers: ClinVar variation 465068 (VCV000465068.11), dbSNP rs1237471672, ClinGen allele CA413931131.
Genomic context (GRCh38, chrX:100,662,317, plus strand): 5'-GCCTGGGCACGCGTTGTGAGCTCTCCTGTGACCGGGGCTTTCGATTGATTGGAAGGAGGT[C>T]GGTGCAATGCCTGCCAAGCCGTCGTTGGTCTGGAACTGCCTACTGCAGGCGTAAGTTGTG-3'
Protein context (NP_055282.1, residues 92-112): DRGFRLIGRR[Ser102Leu]VQCLPSRRWS

ClinVar aggregate classification (germline): Uncertain significance. Review status: criteria provided, multiple submitters, no conflicts (2 of 4 stars). 4 submissions from 4 submitters: Uncertain significance (4). Last evaluated 2024-03-04.

Conditions:
Rolandic epilepsy, impaired intellectual development, and speech dyspraxia, X-linked. Also called: Rolandic epilepsy, intellectual disability, and speech dyspraxia, X-linked; Rolandic epilepsy, impaired intellectual development, and speech dyspraxia. Identifiers: MedGen C1845070, MONDO:0010388, OMIM 300643.

Allele frequency attached by ClinVar (database versions not stated): gnomAD 0.00003; gnomAD exomes below 0.00001 and 0.00001; TOPMed 0.00005.
gnomAD v4.1: 6 of 1,210,083 alleles (0.0005%); highest among the groups gnomAD compares: African/African-American, 0.0052%; no homozygotes.

Submissions (4):

Ambry Genetics
Classification: Uncertain significance. Last evaluated: 2024-03-04. Review status: criteria provided, single submitter. Criteria: Ambry Variant Classification Scheme 2023. Collection method: clinical testing. Allele origin: germline.

Baylor Genetics
Classification: Uncertain significance for Rolandic epilepsy, impaired intellectual development, and speech dyspraxia, X-linked. Last evaluated: 2022-09-28. Review status: criteria provided, single submitter. Criteria: ACMG Guidelines, 2015. Collection method: clinical testing. Allele origin: unknown.

Fulgent Genetics
Classification: Uncertain significance for Rolandic epilepsy, impaired intellectual development, and speech dyspraxia, X-linked. Last evaluated: 2022-04-14. Review status: criteria provided, single submitter. Criteria: ACMG Guidelines, 2015. Collection method: clinical testing. Allele origin: unknown.

Labcorp Genetics (formerly Invitae), Labcorp
Classification: Uncertain significance for Rolandic epilepsy, impaired intellectual development, and speech dyspraxia, X-linked. Last evaluated: 2020-01-20. Review status: criteria provided, single submitter. Criteria: Invitae Variant Classification Sherloc (09022015). Collection method: clinical testing. Allele origin: germline.
Comment: In summary, the available evidence is currently insufficient to determine the role of this variant in disease. Therefore, it has been classified as a Variant of Uncertain Significance. Algorithms developed to predict the effect of missense changes on protein structure and function are either unavailable or do not agree on the potential impact of this missense change (SIFT: "Deleterious"; PolyPhen-2: "Benign"; Align-GVGD: "Class C15"). This variant has not been reported in the literature in individuals with SRPX2-related conditions. This variant is not present in population databases (ExAC no frequency). This sequence change replaces serine with leucine at codon 102 of the SRPX2 protein (p.Ser102Leu). The serine residue is highly conserved and there is a large physicochemical difference between serine and leucine.